The following is an entry in ClinVar:

ClinVar aggregate classification (germline): Uncertain significance (1 of 4 stars; one submission).

Allele frequency attached by ClinVar (database versions not stated): gnomAD 0.00001.
gnomAD v4.1: 1 of 1,612,820 alleles (0.000062%); highest among the groups gnomAD compares: South Asian, 0.0011%; no homozygotes.

Submission:

Labcorp Genetics (formerly Invitae), Labcorp
Classification: Uncertain significance. Last evaluated: 2022-08-22. Review status: criteria provided, single submitter. Criteria: Invitae Variant Classification Sherloc (09022015). Collection method: clinical testing. Allele origin: germline.
Comment: In summary, the available evidence is currently insufficient to determine the role of this variant in disease. Therefore, it has been classified as a Variant of Uncertain Significance. Algorithms developed to predict the effect of sequence changes on RNA splicing suggest that this variant may create or strengthen a splice site. This variant has not been reported in the literature in individuals affected with COL11A2-related conditions. This variant is not present in population databases (gnomAD no frequency). This sequence change falls in intron 1 of the COL11A2 gene. It does not directly change the encoded amino acid sequence of the COL11A2 protein.

NM_080680.3(COL11A2):c.83-17A>G

Gene: COL11A2 (collagen type XI alpha 2 chain; minus strand). Cytogenetic location: 6p21.32.
Variant type: single nucleotide variant.
Coding change: c.83-17A>G on transcript NM_080680.3 (MANE Select); 17 bases into the intron before coding-DNA position 83, A replaced by G.
Molecular consequence: intron variant.
Genome position (GRCh38, 1-based): chr6:33,189,486, T>C on the plus strand (A>G on the coding strand, the complement: COL11A2 is on the minus strand). VCF-style: chr6-33189486-T-C. GRCh37 (hg19) VCF-style: chr6-33157263-T-C.
Other names: c.83-17A>G (NM_080679.3, NM_080681.3, NM_001163771.2).
Identifiers: ClinVar variation 1950895 (VCV001950895.5), dbSNP rs2150625843, ClinGen allele CA2580074634.